The following is an entry in ClinVar:

NM_001378778.1(MPDZ):c.5137G>A (p.Ala1713Thr)

Gene: MPDZ (multiple PDZ domain crumbs cell polarity complex component; minus strand). Cytogenetic location: 9p23.
Variant type: single nucleotide variant.
Coding change: c.5137G>A on transcript NM_001378778.1 (MANE Select); coding-DNA position 5137, G replaced by A.
Protein change: p.Ala1713Thr; replaces alanine 1713 with threonine.
Molecular consequence: missense variant.
Genome position (GRCh38, 1-based): chr9:13,121,833, C>T on the plus strand (G>A on the coding strand, the complement: MPDZ is on the minus strand). VCF-style: chr9-13121833-C-T. GRCh37 (hg19) VCF-style: chr9-13121832-C-T.
Other names: c.4927G>A, p.Ala1643Thr (NM_001375421.1, NM_001375422.1, NM_001375423.1 and 4 more transcripts); c.4729G>A, p.Ala1577Thr (NM_001375427.1); c.5137G>A, p.Ala1713Thr (NM_003829.5, NM_001330637.2); c.5038G>A, p.Ala1680Thr (NM_001261406.2, NM_001261407.2, NM_001375416.1 and 3 more transcripts); c.5236G>A, p.Ala1746Thr (NM_001375413.1); short protein forms A1713T, A1643T, A1746T, A1577T, A1680T.
Identifiers: ClinVar variation 1996583 (VCV001996583.4), dbSNP rs1944394066, ClinGen allele CA372944300.

ClinVar aggregate classification (germline): Uncertain significance (1 of 4 stars; one submission).

Allele frequency attached by ClinVar (database versions not stated): gnomAD exomes below 0.00001.
gnomAD v4.1: 2 of 1,613,946 alleles (0.00012%); highest among the groups gnomAD compares: South Asian, 0.0022%; no homozygotes.

Submission:

Labcorp Genetics (formerly Invitae), Labcorp
Classification: Uncertain significance. Last evaluated: 2022-09-06. Review status: criteria provided, single submitter. Criteria: Invitae Variant Classification Sherloc (09022015). Collection method: clinical testing. Allele origin: germline.
Comment: In summary, the available evidence is currently insufficient to determine the role of this variant in disease. Therefore, it has been classified as a Variant of Uncertain Significance. Algorithms developed to predict the effect of missense changes on protein structure and function output the following: SIFT: "Tolerated"; PolyPhen-2: "Benign"; Align-GVGD: "Class C0". The threonine amino acid residue is found in multiple mammalian species, which suggests that this missense change does not adversely affect protein function. This variant has not been reported in the literature in individuals affected with MPDZ-related conditions. This variant is not present in population databases (gnomAD no frequency). This sequence change replaces alanine, which is neutral and non-polar, with threonine, which is neutral and polar, at codon 1713 of the MPDZ protein (p.Ala1713Thr).